The following is an entry in ClinVar:

NC_000004.11:g.(?_57333802)_(57368027_?)del

Gene: SRP72 (signal recognition particle 72; plus strand). Cytogenetic location: 4q12.
Variant type: Deletion.
Identifiers: ClinVar variation 3246747 (VCV003246747.1).

ClinVar aggregate classification (germline): Uncertain significance (1 of 4 stars; one submission).

Submission:

Labcorp Genetics (formerly Invitae), Labcorp
Classification: Uncertain significance. Last evaluated: 2023-09-08. Review status: criteria provided, single submitter. Criteria: Invitae Variant Classification Sherloc (09022015). Collection method: clinical testing. Allele origin: unknown.
Comment: A gross deletion of the genomic region encompassing the full coding sequence of the SRP72 gene has been identified. The current clinical and genetic evidence is not sufficient to establish whether loss-of-function variants in SRP72 cause disease. The boundaries of this event are unknown as they extend beyond the assayed region for this gene and therefore may encompass additional genes. This variant has not been reported in the literature in individuals affected with SRP72-related conditions. In summary, the available evidence is currently insufficient to determine the role of this variant in disease. Therefore, it has been classified as a Variant of Uncertain Significance.